The following is an entry in ClinVar:

NM_198525.3(KIF7):c.3778dup (p.Arg1260fs)

Gene: KIF7 (kinesin family member 7; minus strand). Cytogenetic location: 15q26.1.
Variant type: Duplication.
Coding change: c.3778dup on transcript NM_198525.3 (MANE Select); coding-DNA position 3778, one base duplicated (C; older notation c.3778dupC).
Protein change: p.Arg1260fs; shifts the reading frame from arginine 1260.
Molecular consequence: frameshift variant.
Genome position (GRCh38, 1-based): chr15:89,628,673, G duplicated on the plus strand (C on the coding strand, the reverse complement: KIF7 is on the minus strand); the first of 6 consecutive G bases (chr15:89,628,673-89,628,678); duplicating any one gives the same sequence. VCF-style (leftmost placement, unchanged base first): chr15-89628672-C-CG. GRCh37 (hg19) VCF-style: chr15-90171903-C-CG.
Other names: short protein forms R1260fs.
Identifiers: ClinVar variation 942013 (VCV000942013.9), dbSNP rs777426943, ClinGen allele CA7727534.

ClinVar aggregate classification (germline): Uncertain significance. Review status: criteria provided, multiple submitters, no conflicts (2 of 4 stars). 4 submissions from 4 submitters: Uncertain significance (4). Last evaluated 2024-05-06.

Conditions:
Acrocallosal syndrome (ACLS). Also called: HALLUX DUPLICATION, POSTAXIAL POLYDACTYLY, AND ABSENCE OF CORPUS CALLOSUM; Schinzel syndrome 1; Absence of corpus callosum with unusual facial appearance, mental deficiency, duplication of the halluces and polydactyly. Identifiers: Orphanet 36, MedGen C0796147, MONDO:0008708, OMIM 200990.
Hydrolethalus syndrome 2 (HLS2). Identifiers: Orphanet 2189, MedGen C3279899, MONDO:0013585, OMIM 614120.
Multiple epiphyseal dysplasia, Al-Gazali type. Also called: Macrocephaly with multiple epiphyseal dysplasia and distinctive facies. Identifiers: Orphanet 166024, MedGen C1846722, MONDO:0011778, OMIM 607131.

Submissions (4):

Blueprint Genetics
Classification: Uncertain significance. Last evaluated: 2024-05-06. Review status: criteria provided, single submitter. Criteria: ACMG Guidelines, 2015. Collection method: clinical testing. Allele origin: germline.

Fulgent Genetics
Classification: Uncertain significance for Acrocallosal syndrome; Multiple epiphyseal dysplasia, Al-Gazali type; Hydrolethalus syndrome 2. Last evaluated: 2024-05-01. Review status: criteria provided, single submitter. Criteria: ACMG Guidelines, 2015. Collection method: clinical testing. Allele origin: germline.

GeneDx
Classification: Uncertain significance. Last evaluated: 2024-03-27. Review status: criteria provided, single submitter. Criteria: GeneDx Variant Classification Process June 2021. Collection method: clinical testing. Allele origin: germline. Affected: yes.
Comment: Not observed at significant frequency in large population cohorts (gnomAD); Frameshift variant predicted to result in abnormal protein length as the last 84 amino acids are replaced with 25 different amino acids; Has not been previously published as pathogenic or benign to our knowledge

Labcorp Genetics (formerly Invitae), Labcorp
Classification: Uncertain significance for Acrocallosal syndrome. Last evaluated: 2024-02-24. Review status: criteria provided, single submitter. Criteria: Invitae Variant Classification Sherloc (09022015). Collection method: clinical testing. Allele origin: germline.
Comment: This sequence change creates a premature translational stop signal (p.Arg1260Profs*26) in the KIF7 gene. While this is not anticipated to result in nonsense mediated decay, it is expected to disrupt the last 84 amino acid(s) of the KIF7 protein. This variant is present in population databases (rs777426943, gnomAD 0.006%). This variant has not been reported in the literature in individuals affected with KIF7-related conditions. ClinVar contains an entry for this variant (Variation ID: 942013). In summary, the available evidence is currently insufficient to determine the role of this variant in disease. Therefore, it has been classified as a Variant of Uncertain Significance.